The following is an entry in ClinVar:

ClinVar aggregate classification (germline): Uncertain significance. Review status: criteria provided, multiple submitters, no conflicts (2 of 4 stars). 2 submissions from 2 submitters: Uncertain significance (2). Last evaluated 2025-11-13.

Conditions:
Inborn genetic diseases. Identifiers: MedGen C0950123, MeSH D030342.

Allele frequency attached by ClinVar (database versions not stated): ExAC 0.00001; gnomAD 0.00001; gnomAD exomes 0.00001 and 0.00002; TOPMed 0.00002.
gnomAD v4.1: 10 of 1,613,636 alleles (0.00062%); highest among the groups gnomAD compares: Admixed American, 0.0083%; no homozygotes.

Submissions (2):

Ambry Genetics
Classification: Uncertain significance for Inborn genetic diseases. Last evaluated: 2025-11-13. Review status: criteria provided, single submitter. Criteria: Ambry Variant Classification Scheme 2023. Collection method: clinical testing. Allele origin: germline.

Labcorp Genetics (formerly Invitae), Labcorp
Classification: Uncertain significance. Last evaluated: 2022-08-09. Review status: criteria provided, single submitter. Criteria: Invitae Variant Classification Sherloc (09022015). Collection method: clinical testing. Allele origin: germline.
Comment: ClinVar contains an entry for this variant (Variation ID: 1521209). Algorithms developed to predict the effect of missense changes on protein structure and function are either unavailable or do not agree on the potential impact of this missense change (SIFT: "Deleterious"; PolyPhen-2: "Probably Damaging"; Align-GVGD: "Class C0"). In summary, the available evidence is currently insufficient to determine the role of this variant in disease. Therefore, it has been classified as a Variant of Uncertain Significance. This variant has not been reported in the literature in individuals affected with TBX15-related conditions. This variant is present in population databases (rs769435912, gnomAD 0.009%). This sequence change replaces valine, which is neutral and non-polar, with methionine, which is neutral and non-polar, at codon 62 of the TBX15 protein (p.Val62Met).

NM_001330677.2(TBX15):c.502G>A (p.Val168Met)

Gene: TBX15 (T-box transcription factor 15; minus strand). Cytogenetic location: 1p12.
Variant type: single nucleotide variant.
Coding change: c.502G>A on transcript NM_001330677.2 (MANE Select); coding-DNA position 502, G replaced by A.
Protein change: p.Val168Met; replaces valine 168 with methionine.
Molecular consequence: missense variant.
Genome position (GRCh38, 1-based): chr1:118,926,529, C>T on the plus strand (G>A on the coding strand, the complement: TBX15 is on the minus strand). VCF-style: chr1-118926529-C-T. GRCh37 (hg19) VCF-style: chr1-119469152-C-T.
Other names: c.184G>A, p.Val62Met (NM_152380.3); c.184G>A (NM_152380.2); short protein forms V168M, V62M.
Identifiers: ClinVar variation 1521209 (VCV001521209.7), dbSNP rs769435912, ClinGen allele CA1035067.
Genomic context (GRCh38, chr1:118,926,529, plus strand): 5'-CTGGTGATACCCACATTTCCACATCCCAGAGTTATTGTTACCTGTATCTTTTATTGTCCA[C>T]AGGCACAATGTCCATTGCTATGTAGTACTGCTGATGTGGATCTAGGCCAGTGATTTTCAC-3'
Protein context (NP_001317606.1, residues 158-178): QYYIAMDIVP[Val168Met]DNKRYRYVYH